The following is an entry in ClinVar:

ClinVar aggregate classification (germline): Uncertain significance (1 of 4 stars; one submission).

Conditions:
Hereditary cancer-predisposing syndrome. Also called: Neoplastic Syndromes, Hereditary; Tumor predisposition; Hereditary Cancer Syndrome; Hereditary neoplastic syndrome. Identifiers: Orphanet 140162, MedGen C0027672, MeSH D009386, MONDO:0015356.

Submission:

Ambry Genetics
Classification: Uncertain significance for Hereditary cancer-predisposing syndrome. Last evaluated: 2025-11-28. Review status: criteria provided, single submitter. Criteria: Ambry Variant Classification Scheme 2023. Collection method: clinical testing. Allele origin: germline.
Comment: The p.A476S variant (also known as c.1426G>T), located in coding exon 13 of the NF2 gene, results from a G to T substitution at nucleotide position 1426. The alanine at codon 476 is replaced by serine, an amino acid with similar properties. This amino acid position is conserved. In addition, this alteration is predicted to be tolerated by in silico analysis. Based on the available evidence, the clinical significance of this variant remains unclear.

NM_000268.4(NF2):c.1426G>T (p.Ala476Ser)

Gene: NF2 (NF2, moesin-ezrin-radixin like (MERLIN) tumor suppressor; plus strand). Cytogenetic location: 22q12.2.
Variant type: single nucleotide variant.
Coding change: c.1426G>T on transcript NM_000268.4 (MANE Select); coding-DNA position 1426, G replaced by T.
Protein change: p.Ala476Ser; replaces alanine 476 with serine.
Molecular consequence: missense variant. On other transcripts: non-coding transcript variant (1), intron variant (1).
Genome position (GRCh38, 1-based): chr22:29,674,921, G>T. VCF-style: chr22-29674921-G-T. GRCh37 (hg19) VCF-style: chr22-30070910-G-T.
Other names: c.1300G>T, p.Ala434Ser (NM_001407055.1, NM_181828.3); c.1312G>T, p.Ala438Ser (NM_001407056.1, NM_001407053.1); c.1291G>T, p.Ala431Ser (NM_001407057.1, NM_001407059.1); c.1195G>T, p.Ala399Ser (NM_001407067.1); c.1426G>T, p.Ala476Ser (NM_016418.5, NM_001407066.1, NM_181825.3 and 2 more transcripts); c.1303G>T, p.Ala435Ser (NM_181829.3, NM_001407054.1, NM_001407058.1); c.448-19831G>T (NM_181833.3); c.1177G>T, p.Ala393Ser (NM_181830.3, NM_181831.3, NM_001407064.1 and 1 more transcripts); and 2 more; short protein forms A431S, A298S, A435S, A390S, A399S, A434S, A438S, A393S.
Identifiers: ClinVar variation 4661626 (VCV004661626.1).